The following is an entry in ClinVar:

ClinVar aggregate classification (germline): Pathogenic/Likely pathogenic. Review status: criteria provided, multiple submitters, no conflicts (2 of 4 stars). 3 submissions from 3 submitters: Pathogenic (1); Likely pathogenic (2). Last evaluated 2021-06-18.

Conditions:
Hereditary breast ovarian cancer syndrome. Also called: Hereditary breast and ovarian cancer syndrome; Hereditary breast and/or ovarian cancer syndrome; Hereditary breast and ovarian cancer syndrome (HBOC); Hereditary breast and ovarian cancer; Breast and ovarian cancer; BRCA1- and BRCA2-Associated Hereditary Breast and Ovarian Cancer. Identifiers: Orphanet 145, MedGen C0677776, MeSH D061325, MONDO:0003582. Disease mechanism: loss of function.
Hereditary cancer-predisposing syndrome. Also called: Neoplastic Syndromes, Hereditary; Hereditary Cancer Syndrome; Tumor predisposition; Hereditary neoplastic syndrome. Identifiers: Orphanet 140162, MedGen C0027672, MeSH D009386, MONDO:0015356.

Submissions (3):

Sema4
Classification: Likely pathogenic for Hereditary cancer-predisposing syndrome. Last evaluated: 2021-06-18. Review status: criteria provided, single submitter. Criteria: Sema4 Curation Guidelines. Collection method: curation. Allele origin: germline.
Comment: The BRCA2 c.452dupT (p.T152NfsX6) variant has not been reported in the literature to our knowledge. This variant causes a frameshift at amino acid 152 that results in premature termination 6 amino acids downstream. At this location, this is predicted to cause nonsense-mediated decay and result in an absent protein (loss of function). Loss of function variants in BRCA1 or BRCA2 are known to be pathogenic (PMID: 29446198). This variant is not reported in the Genome Aggregation Database (PMID: 32461654) but has been reported in ClinVar (Variation ID: 977741). Based on the current evidence available, this variant is interpreted as likely pathogenic.

Labcorp Genetics (formerly Invitae), Labcorp
Classification: Pathogenic for Hereditary breast ovarian cancer syndrome. Last evaluated: 2021-03-11. Review status: criteria provided, single submitter. Criteria: Invitae Variant Classification Sherloc (09022015). Collection method: clinical testing. Allele origin: germline.
Comment: This sequence change creates a premature translational stop signal (p.Thr152Asnfs*6) in the BRCA2 gene. It is expected to result in an absent or disrupted protein product. Loss-of-function variants in BRCA2 are known to be pathogenic (PMID: 20104584). This variant is not present in population databases (ExAC no frequency). This variant has not been reported in the literature in individuals with BRCA2-related conditions. ClinVar contains an entry for this variant (Variation ID: 977741). For these reasons, this variant has been classified as Pathogenic.

Women's Health and Genetics/Laboratory Corporation of America, LabCorp
Classification: Likely pathogenic for Hereditary breast and ovarian cancer syndrome. Last evaluated: 2020-08-25. Review status: criteria provided, single submitter. Criteria: LabCorp Variant Classification Summary - May 2015. Collection method: clinical testing. Allele origin: germline.
Comment: Variant summary: BRCA2 c.452dupT (p.Thr152AsnfsX6) results in a premature termination codon, predicted to cause a truncation of the encoded protein or absence of the protein due to nonsense mediated decay, which are commonly known mechanisms for disease. Truncations downstream of this position have been classified as pathogenic by our laboratory. The variant was absent in 251052 control chromosomes (gnomAD). To our knowledge, no occurrence of c.452dupT in individuals affected with Hereditary Breast And Ovarian Cancer Syndrome and no experimental evidence demonstrating its impact on protein function have been reported. No clinical diagnostic laboratories have submitted clinical-significance assessments for this variant to ClinVar after 2014. Based on the evidence outlined above, the variant was classified as likely pathogenic.

Literature cited by the submitters: PubMed 29446198 (cited by Sema4); PubMed 20104584 (cited by Labcorp Genetics (formerly Invitae), Labcorp).

NM_000059.4(BRCA2):c.452dup (p.Thr152fs)

Gene: BRCA2 (BRCA2 DNA repair associated; plus strand). Cytogenetic location: 13q13.1.
Variant type: Duplication.
Coding change: c.452dup on transcript NM_000059.4 (MANE Select); coding-DNA position 452, one base duplicated (T; older notation c.452dupT).
Protein change: p.Thr152fs; shifts the reading frame from threonine 152.
Molecular consequence: frameshift variant.
Genome position (GRCh38, 1-based): chr13:32,326,127, T duplicated. VCF-style (leftmost placement, unchanged base first): chr13-32326126-G-GT. GRCh37 (hg19) VCF-style: chr13-32900263-G-GT.
Other names: short protein forms T152fs.
Identifiers: ClinVar variation 977741 (VCV000977741.10), dbSNP rs2072343917, ClinGen allele CA1139663060.